The following is an entry in ClinVar:

NM_020778.5(ALPK3):c.361T>C (p.Cys121Arg)

Gene: ALPK3 (alpha kinase 3; plus strand). Cytogenetic location: 15q25.3.
Variant type: single nucleotide variant.
Coding change: c.361T>C on transcript NM_020778.5 (MANE Select); coding-DNA position 361, T replaced by C.
Protein change: p.Cys121Arg; replaces cysteine 121 with arginine.
Molecular consequence: missense variant.
Genome position (GRCh38, 1-based): chr15:84,839,036, T>C. VCF-style: chr15-84839036-T-C. GRCh37 (hg19) VCF-style: chr15-85382267-T-C.
Other names: short protein forms C121R.
Identifiers: ClinVar variation 2813072 (VCV002813072.3), dbSNP rs1963625945, ClinGen allele CA393371904.

ClinVar aggregate classification (germline): Uncertain significance (1 of 4 stars; one submission).

Allele frequency attached by ClinVar (database versions not stated): gnomAD exomes below 0.00001.
gnomAD v4.1: 1 of 1,613,678 alleles (0.000062%); highest among the groups gnomAD compares: Non-Finnish European, 0.000085%; no homozygotes.

Submission:

Labcorp Genetics (formerly Invitae), Labcorp
Classification: Uncertain significance. Last evaluated: 2022-11-09. Review status: criteria provided, single submitter. Criteria: Invitae Variant Classification Sherloc (09022015). Collection method: clinical testing. Allele origin: germline.
Comment: In summary, the available evidence is currently insufficient to determine the role of this variant in disease. Therefore, it has been classified as a Variant of Uncertain Significance. Algorithms developed to predict the effect of missense changes on protein structure and function are either unavailable or do not agree on the potential impact of this missense change (SIFT: "Deleterious"; PolyPhen-2: "Probably Damaging"; Align-GVGD: "Class C0"). This variant has not been reported in the literature in individuals affected with ALPK3-related conditions. This variant is not present in population databases (gnomAD no frequency). This sequence change replaces cysteine, which is neutral and slightly polar, with arginine, which is basic and polar, at codon 323 of the ALPK3 protein (p.Cys323Arg).